The following is an entry in ClinVar:

NM_000051.4(ATM):c.2525C>T (p.Thr842Ile)

Gene: ATM (ATM serine/threonine kinase; plus strand). Cytogenetic location: 11q22.3.
Variant type: single nucleotide variant.
Coding change: c.2525C>T on transcript NM_000051.4 (MANE Select); coding-DNA position 2525, C replaced by T.
Protein change: p.Thr842Ile; replaces threonine 842 with isoleucine.
Molecular consequence: missense variant.
Genome position (GRCh38, 1-based): chr11:108,267,229, C>T. VCF-style: chr11-108267229-C-T. GRCh37 (hg19) VCF-style: chr11-108137956-C-T.
Other names: c.2525C>T, p.Thr842Ile (NM_001351834.2); short protein forms T842I.
Identifiers: ClinVar variation 924631 (VCV000924631.6), dbSNP rs1555082164, ClinGen allele CA382543520.
Genomic context (GRCh38, chr11:108,267,229, plus strand): 5'-AGGCATCCTTCATCAAAAAGCCATTTGACCGTGGAGAAGTAGAATCAATGGAAGATGATA[C>T]TAATGGAAATCTAATGGAGGTGGAGGATCAGTCATCCATGAATCTATTTAACGATTACCC-3'
Protein context (NP_000042.3, residues 832-852): RGEVESMEDD[Thr842Ile]NGNLMEVEDQ

ClinVar aggregate classification (germline): Uncertain significance. Review status: criteria provided, multiple submitters, no conflicts (2 of 4 stars). 2 submissions from 2 submitters: Uncertain significance (2). Last evaluated 2024-03-06.

Conditions:
Hereditary cancer-predisposing syndrome. Also called: Neoplastic Syndromes, Hereditary; Tumor predisposition; Hereditary Cancer Syndrome; Hereditary neoplastic syndrome. Identifiers: Orphanet 140162, MedGen C0027672, MeSH D009386, MONDO:0015356.

Submissions (2):

Color Diagnostics, LLC DBA Color Health
Classification: Uncertain significance for Hereditary cancer-predisposing syndrome. Last evaluated: 2024-03-06. Review status: criteria provided, single submitter. Criteria: ACMG Guidelines, 2015. Collection method: clinical testing. Allele origin: germline.
Comment: This missense variant replaces threonine with isoleucine at codon 842 of the ATM protein. Computational prediction suggests that this variant may not impact protein structure and function (internally defined REVEL score threshold <= 0.5, PMID: 27666373). To our knowledge, functional studies have not been reported for this variant. This variant has not been reported in individuals affected with hereditary cancer in the literature. This variant has not been identified in the general population by the Genome Aggregation Database (gnomAD). The available evidence is insufficient to determine the role of this variant in disease conclusively. Therefore, this variant is classified as a Variant of Uncertain Significance.

Ambry Genetics
Classification: Uncertain significance for Hereditary cancer-predisposing syndrome. Last evaluated: 2022-07-01. Review status: criteria provided, single submitter. Criteria: Ambry Variant Classification Scheme 2023. Collection method: clinical testing. Allele origin: germline.
Comment: The p.T842I variant (also known as c.2525C>T), located in coding exon 16 of the ATM gene, results from a C to T substitution at nucleotide position 2525. The threonine at codon 842 is replaced by isoleucine, an amino acid with similar properties. This amino acid position is conserved. In addition, this alteration is predicted to be tolerated by in silico analysis. Since supporting evidence is limited at this time, the clinical significance of this alteration remains unclear.